The following is an entry in ClinVar:

ClinVar aggregate classification (germline): Conflicting classifications of pathogenicity. Review status: criteria provided, conflicting classifications (1 of 4 stars). 4 submissions from 4 submitters: Uncertain significance (3); Likely benign (1). Last evaluated 2025-11-03.

Conditions:
Hereditary cancer-predisposing syndrome. Also called: Neoplastic Syndromes, Hereditary; Tumor predisposition; Hereditary Cancer Syndrome; Hereditary neoplastic syndrome. Identifiers: Orphanet 140162, MedGen C0027672, MeSH D009386, MONDO:0015356.
Hereditary breast ovarian cancer syndrome. Also called: Hereditary breast and ovarian cancer; Hereditary breast and/or ovarian cancer syndrome; BRCA1- and BRCA2-Associated Hereditary Breast and Ovarian Cancer; Hereditary breast and ovarian cancer syndrome (HBOC); Hereditary breast and ovarian cancer syndrome; Breast and ovarian cancer. Identifiers: Orphanet 145, MedGen C0677776, MeSH D061325, MONDO:0003582. Disease mechanism: loss of function.

Submissions (4):

Labcorp Genetics (formerly Invitae), Labcorp
Classification: Uncertain significance for Hereditary breast ovarian cancer syndrome. Last evaluated: 2025-11-03. Review status: criteria provided, single submitter. Criteria: Invitae Variant Classification Sherloc (09022015). Collection method: clinical testing. Allele origin: germline.
Comment: This sequence change replaces serine, which is neutral and polar, with cysteine, which is neutral and slightly polar, at codon 1143 of the BRCA1 protein (p.Ser1143Cys). This variant is not present in population databases (gnomAD no frequency). This variant has not been reported in the literature in individuals affected with BRCA1-related conditions. ClinVar contains an entry for this variant (Variation ID: 187054). Invitae Evidence Modeling of protein sequence and biophysical properties (such as structural, functional, and spatial information, amino acid conservation, physicochemical variation, residue mobility, and thermodynamic stability) has been performed for this missense variant. However, the output from this modeling did not meet the statistical confidence thresholds required to predict the impact of this variant on BRCA1 protein function. In summary, the available evidence is currently insufficient to determine the role of this variant in disease. Therefore, it has been classified as a Variant of Uncertain Significance.

Ambry Genetics
Classification: Uncertain significance for Hereditary cancer-predisposing syndrome. Last evaluated: 2025-09-23. Review status: criteria provided, single submitter. Criteria: Ambry Variant Classification Scheme 2023. Collection method: clinical testing. Allele origin: germline.
Comment: The p.S1143C variant (also known as c.3428C>G), located in coding exon 9 of the BRCA1 gene, results from a C to G substitution at nucleotide position 3428. The serine at codon 1143 is replaced by cysteine, an amino acid with dissimilar properties. This amino acid position is not well conserved in available vertebrate species. In addition, the in silico prediction for this alteration is inconclusive. Since supporting evidence is limited at this time, the clinical significance of this alteration remains unclear.

University of Washington Department of Laboratory Medicine, University of Washington
Classification: Likely benign for Hereditary cancer-predisposing syndrome. Last evaluated: 2023-03-23. Review status: criteria provided, single submitter. Criteria: Dines et al. (Genet Med. 2020). Collection method: curation. Allele origin: germline.
Comment: Missense variant in a coldspot region where missense variants are very unlikely to be pathogenic (PMID:31911673).

BRCA1 coldspot (exon 11 using historical exon numbering). Reclassification based on statistical prior probability

Quest Diagnostics Nichols Institute San Juan Capistrano
Classification: Uncertain significance. Last evaluated: 2023-02-07. Review status: criteria provided, single submitter. Criteria: Quest Diagnostics criteria. Collection method: clinical testing. Allele origin: unknown.
Comment: To the best of our knowledge, the variant has not been reported in the published literature. It also has not been reported in large, multi-ethnic general populations. Analysis of this variant using bioinformatics tools for the prediction of the effect of amino acid changes on protein structure and function yielded predictions that this variant is benign. Based on the available information, we are unable to determine the clinical significance of this variant.

NM_007294.4(BRCA1):c.3428C>G (p.Ser1143Cys)

Genes: BRCA1 (BRCA1 DNA repair associated; minus strand), LOC126862571 (BRD4-independent group 4 enhancer GRCh37_chr17:41243136-41244335; plus strand). Cytogenetic location: 17q21.31.
Variant type: single nucleotide variant.
Coding change: c.3428C>G on transcript NM_007294.4 (MANE Select); coding-DNA position 3428, C replaced by G.
Protein change: p.Ser1143Cys; replaces serine 1143 with cysteine.
Molecular consequence: missense variant. On other transcripts: intron variant (135).
Genome position (GRCh38, 1-based): chr17:43,092,103, G>C on the plus strand (C>G on the coding strand, the complement: BRCA1 is on the minus strand). VCF-style: chr17-43092103-G-C. GRCh37 (hg19) VCF-style: chr17-41244120-G-C.
Other names: c.3350C>G, p.Ser1117Cys (NM_001407658.1, NM_001407663.1, NM_001407653.1 and 4 more transcripts); c.3347C>G, p.Ser1116Cys (NM_001407659.1, NM_001407660.1, NM_001407661.1 and 1 more transcripts); c.3305C>G, p.Ser1102Cys (NM_001407664.1, NM_001407665.1, NM_001407666.1 and 19 more transcripts); c.3302C>G, p.Ser1101Cys (NM_001407670.1, NM_001407671.1, NM_001407672.1 and 11 more transcripts); c.3428C>G, p.Ser1143Cys (NM_001407684.1, NM_001407581.1, NM_001407582.1 and 30 more transcripts); c.3287C>G, p.Ser1096Cys (NM_001407692.1, NM_001407694.1, NM_001407695.1 and 29 more transcripts); c.3215C>G, p.Ser1072Cys (NM_001407571.1, NM_001407853.1, NM_001407894.1 and 9 more transcripts); c.3425C>G, p.Ser1142Cys (NM_001407587.1, NM_001407590.1, NM_001407591.1 and 22 more transcripts); and 41 more; short protein forms S1143C, S1096C, S1054C, S1095C, S1102C, S1140C, S975C, S1016C.
Identifiers: ClinVar variation 187054 (VCV000187054.20), dbSNP rs80357434, ClinGen allele CA002217.
Genomic context (GRCh38, chr17:43,092,103, plus strand): 5'-GTATCTTCCTTTATTTCACCATCATCTAACAGGTCATCAGGTGTCTCAGAACAAACCTGA[G>C]ATGCATGACTACTTCCCATAGGCTGTTCTAAGTTATCTGAAATCAGATATGGAGAGAAAT-3'
Protein context (NP_009225.1, residues 1133-1153): LEQPMGSSHA[Ser1143Cys]QVCSETPDDL